The following is an entry in ClinVar:

NM_004171.4(SLC1A2):c.866C>G (p.Pro289Arg)

Gene: SLC1A2 (solute carrier family 1 member 2; minus strand). Cytogenetic location: 11p13.
Variant type: single nucleotide variant.
Coding change: c.866C>G on transcript NM_004171.4 (MANE Select); coding-DNA position 866, C replaced by G.
Protein change: p.Pro289Arg; replaces proline 289 with arginine.
Molecular consequence: missense variant.
Genome position (GRCh38, 1-based): chr11:35,292,512, G>C on the plus strand (C>G on the coding strand, the complement: SLC1A2 is on the minus strand). VCF-style: chr11-35292512-G-C. GRCh37 (hg19) VCF-style: chr11-35314059-G-C.
Other names: NM_001195728.2:c.839C>G(p.Pro280Arg); NM_001252652.1:c.839C>G(p.Pro280Arg); NM_004171.3:c.866C>G(p.Pro289Arg); c.839C>G, p.Pro280Arg (NM_001195728.3, NM_001252652.2); short protein forms P289R, P280R.
Identifiers: ClinVar variation 438737 (VCV000438737.6), dbSNP rs781379291, ClinGen allele CA380125242.

ClinVar aggregate classification (germline): Pathogenic/Likely pathogenic. Review status: criteria provided, multiple submitters, no conflicts (2 of 4 stars). 3 submissions from 3 submitters: Pathogenic (1); Likely pathogenic (1). 1 of the submissions does not count toward it. Last evaluated 2022-12-22.

Conditions:
Developmental and epileptic encephalopathy, 41 (DEE41). Also called: Epileptic encephalopathy, early infantile, 41. Identifiers: MedGen C4310717, MONDO:0014916, OMIM 617105.

Submissions (3):

Labcorp Genetics (formerly Invitae), Labcorp
Classification: Pathogenic. Last evaluated: 2022-12-22. Review status: criteria provided, single submitter. Criteria: Invitae Variant Classification Sherloc (09022015). Collection method: clinical testing. Allele origin: germline.
Comment: This sequence change replaces proline, which is neutral and non-polar, with arginine, which is basic and polar, at codon 289 of the SLC1A2 protein (p.Pro289Arg). This variant is not present in population databases (gnomAD no frequency). This missense change has been observed in individual(s) with SLC1A2-related conditions (PMID: 28777935). In at least one individual the variant was observed to be de novo. ClinVar contains an entry for this variant (Variation ID: 438737). Advanced modeling of protein sequence and biophysical properties (such as structural, functional, and spatial information, amino acid conservation, physicochemical variation, residue mobility, and thermodynamic stability) performed at Invitae indicates that this missense variant is expected to disrupt SLC1A2 protein function. Experimental studies have shown that this missense change affects SLC1A2 function (PMID: 34961934). For these reasons, this variant has been classified as Pathogenic.

SIB Swiss Institute of Bioinformatics
Classification: Likely pathogenic for Developmental and epileptic encephalopathy, 41. Last evaluated: 2018-04-16. Review status: criteria provided, single submitter. Criteria: ACMG Guidelines, 2015. Collection method: curation. Allele origin: germline.
Comment: This variant is interpreted as a Likely Pathogenic, for Epileptic encephalopathy, early infantile, 41, Autosomal Dominant inheritance. The following ACMG Tag(s) were applied: PM2 => Absent from controls (or at extremely low frequency if recessive) in Exome Sequencing Project, 1000 Genomes Project, or Exome Aggregation Consortium. PP3 => Multiple lines of computational evidence support a deleterious effect on the gene or gene product. PM6 => Assumed de novo, but without confirmation of paternity and maternity (PMID:28777935). PS3-Supporting => PS3 downgraded in strength to Supporting (PMID:24214974) (PMID:23107647).

OMIM
Classification: Pathogenic for DEVELOPMENTAL AND EPILEPTIC ENCEPHALOPATHY 41. Last evaluated: 2020-11-19. Review status: no assertion criteria provided. Collection method: literature only. Allele origin: germline. Not counted in ClinVar's aggregate classification.

Literature cited by the submitters: PubMed 28777935 (cited by 3 submitters); PubMed 34961934 (cited by Labcorp Genetics (formerly Invitae), Labcorp); PubMed 24214974 (cited by SIB Swiss Institute of Bioinformatics); PubMed 23107647 (cited by SIB Swiss Institute of Bioinformatics).